The following is an entry in ClinVar:

ClinVar aggregate classification (germline): Benign/Likely benign. Review status: criteria provided, multiple submitters, no conflicts (2 of 4 stars). 3 submissions from 3 submitters: Benign (1); Likely benign (2). Last evaluated 2026-04-24.

Conditions:
Colorectal cancer, susceptibility to, 1. Also called: COLORECTAL ADENOMA AND CANCER, SUSCEPTIBILITY TO; COLORECTAL CANCER, SUSCEPTIBILITY TO, ON CHROMOSOME 9. Identifiers: MedGen C1837315, MONDO:0012132, OMIM 608812.

Allele frequency attached by ClinVar (database versions not stated): gnomAD exomes below 0.00001.
gnomAD v4.1: 8 of 1,614,094 alleles (0.0005%); highest among the groups gnomAD compares: Admixed American, 0.0067%; no homozygotes.

Submissions (3):

Myriad Genetics, Inc.
Classification: Benign for Colorectal cancer, susceptibility to, 1. Last evaluated: 2026-04-24. Review status: criteria provided, single submitter. Criteria: Myriad Autosomal Dominant, Autosomal Recessive and X-Linked Classification Criteria (2023). Collection method: clinical testing. Allele origin: unknown.
Comment: This variant is considered benign. This variant is a silent/synonymous amino acid change and it is not expected to impact splicing.

Ambry Genetics
Classification: Likely benign. Last evaluated: 2023-11-23. Review status: criteria provided, single submitter. Criteria: Ambry Variant Classification Scheme 2023. Collection method: clinical testing. Allele origin: germline.

Labcorp Genetics (formerly Invitae), Labcorp
Classification: Likely benign. Last evaluated: 2022-03-08. Review status: criteria provided, single submitter. Criteria: Invitae Variant Classification Sherloc (09022015). Collection method: clinical testing. Allele origin: germline.

NM_024642.5(GALNT12):c.885G>A (p.Arg295=)

Gene: GALNT12 (polypeptide N-acetylgalactosaminyltransferase 12; plus strand). Cytogenetic location: 9q22.33.
Variant type: single nucleotide variant.
Coding change: c.885G>A on transcript NM_024642.5 (MANE Select); coding-DNA position 885, G replaced by A.
Protein change: p.Arg295=; no amino-acid change (arginine 295 retained).
Molecular consequence: synonymous variant.
Genome position (GRCh38, 1-based): chr9:98,831,925, G>A. VCF-style: chr9-98831925-G-A. GRCh37 (hg19) VCF-style: chr9-101594207-G-A.
Other names: c.885G>A (NM_024642.4).
Identifiers: ClinVar variation 1651901 (VCV001651901.10), dbSNP rs1191090728, ClinGen allele CA466424879.
Genomic context (GRCh38, chr9:98,831,925, plus strand): 5'-GATCGGCGGTTTCGACTGGAGGCTGGTGTTCACGTGGCACACAGTTCCTGAGAGGGAGAG[G>A]ATACGGATGCAATCCCCCGTCGATGTCATCAGGTCAGGAGCTGACTTCTGGGTGACTTGT-3'
Protein context (NP_078918.3, residues 285-305): FTWHTVPERE[Arg295=]IRMQSPVDVI